The following is an entry in ClinVar:

NM_201253.3(CRB1):c.964A>G (p.Asn322Asp)

Gene: CRB1 (crumbs cell polarity complex component 1; plus strand). Cytogenetic location: 1q31.3.
Variant type: single nucleotide variant.
Coding change: c.964A>G on transcript NM_201253.3 (MANE Select); coding-DNA position 964, A replaced by G.
Protein change: p.Asn322Asp; replaces asparagine 322 with aspartic acid.
Molecular consequence: missense variant. On other transcripts: non-coding transcript variant (2), intron variant (1).
Genome position (GRCh38, 1-based): chr1:197,347,455, A>G. VCF-style: chr1-197347455-A-G. GRCh37 (hg19) VCF-style: chr1-197316585-A-G.
Other names: c.757A>G, p.Asn253Asp (NM_001257965.2); c.964A>G, p.Asn322Asp (NM_001257966.2); c.653-9376A>G (NM_001193640.2); short protein forms N253D, N322D.
Identifiers: ClinVar variation 1500433 (VCV001500433.8), dbSNP rs942572644, ClinGen allele CA36048743.

ClinVar aggregate classification (germline): Uncertain significance (1 of 4 stars; one submission).

Conditions:
Retinitis pigmentosa 12 (RP12). Also called: RP WITH OR WITHOUT PPRPE; RP WITH OR WITHOUT PRESERVED PARAARTERIOLE RETINAL PIGMENT EPITHELIUM; RETINITIS PIGMENTOSA WITH OR WITHOUT PARAARTERIOLAR PRESERVATION OF RETINAL PIGMENT EPITHELIUM. Identifiers: Orphanet 791, MedGen C1838647, MONDO:0010818, OMIM 600105.
Leber congenital amaurosis 8 (LCA8). Identifiers: Orphanet 65, MedGen C3151202, MONDO:0013453, OMIM 613835.

Allele frequency attached by ClinVar (database versions not stated): gnomAD exomes below 0.00001; TOPMed below 0.00001.
gnomAD v4.1: 2 of 1,614,188 alleles (0.00012%); highest among the groups gnomAD compares: African/African-American, 0.0013%; no homozygotes.

Submission:

Labcorp Genetics (formerly Invitae), Labcorp
Classification: Uncertain significance for Leber congenital amaurosis 8; Retinitis pigmentosa 12. Last evaluated: 2022-03-10. Review status: criteria provided, single submitter. Criteria: Invitae Variant Classification Sherloc (09022015). Collection method: clinical testing. Allele origin: germline.
Comment: In summary, the available evidence is currently insufficient to determine the role of this variant in disease. Therefore, it has been classified as a Variant of Uncertain Significance. Advanced modeling of protein sequence and biophysical properties (such as structural, functional, and spatial information, amino acid conservation, physicochemical variation, residue mobility, and thermodynamic stability) performed at Invitae indicates that this missense variant is not expected to disrupt CRB1 protein function. This variant has not been reported in the literature in individuals affected with CRB1-related conditions. This variant is not present in population databases (gnomAD no frequency). This sequence change replaces asparagine, which is neutral and polar, with aspartic acid, which is acidic and polar, at codon 322 of the CRB1 protein (p.Asn322Asp).